The following is an entry in ClinVar:

NM_198391.3(FLRT3):c.596C>G (p.Thr199Ser)

Genes: FLRT3 (fibronectin leucine rich transmembrane protein 3; minus strand), MACROD2 (mono-ADP ribosylhydrolase 2; plus strand). Cytogenetic location: 20p12.1.
Variant type: single nucleotide variant.
Coding change: c.596C>G on transcript NM_198391.3 (MANE Select); coding-DNA position 596, C replaced by G.
Protein change: p.Thr199Ser; replaces threonine 199 with serine.
Molecular consequence: missense variant. On other transcripts: intron variant (3).
Genome position (GRCh38, 1-based): chr20:14,326,911, G>C on the plus strand (C>G on the coding strand, the complement: FLRT3 is on the minus strand). VCF-style: chr20-14326911-G-C. GRCh37 (hg19) VCF-style: chr20-14307557-G-C.
Other names: c.596C>G, p.Thr199Ser (NM_013281.4); c.272-166568G>C (NM_001351661.2, NM_001351663.2, NM_080676.6); short protein forms T199S.
Identifiers: ClinVar variation 3358839 (VCV003358839.4).

ClinVar aggregate classification (germline): Uncertain significance. Review status: criteria provided, multiple submitters, no conflicts (2 of 4 stars). 3 submissions from 3 submitters: Uncertain significance (2). 1 of the submissions does not count toward it. Last evaluated 2026-04-01.

Conditions:
FLRT3-related disorder. Also called: FLRT3-related condition.

gnomAD v4.1: 18 of 1,613,676 alleles (0.0011%); highest among the groups gnomAD compares: Admixed American, 0.0033%; no homozygotes.

Submissions (3):

CeGaT Center for Human Genetics Tuebingen
Classification: Uncertain significance. Last evaluated: 2026-04-01. Review status: criteria provided, single submitter. Criteria: CeGaT Center For Human Genetics Tuebingen Variant Classification Criteria Version 2. Collection method: clinical testing. Allele origin: germline. Affected: yes. Observed: 1 variant allele.
Comment: FLRT3: PM2, BP4

Ambry Genetics
Classification: Uncertain significance. Last evaluated: 2025-03-28. Review status: criteria provided, single submitter. Criteria: Ambry Variant Classification Scheme 2023. Collection method: clinical testing. Allele origin: germline.

PreventionGenetics, part of Exact Sciences
Classification: Uncertain significance for FLRT3-related condition. Last evaluated: 2024-09-07. Review status: no assertion criteria provided. Collection method: clinical testing. Allele origin: germline. Not counted in ClinVar's aggregate classification.
Comment: The FLRT3 c.596C>G variant is predicted to result in the amino acid substitution p.Thr199Ser. To our knowledge, this variant has not been reported in the literature. This variant is reported in 0.0085% of alleles in individuals of Latino descent in gnomAD. At this time, the clinical significance of this variant is uncertain due to the absence of conclusive functional and genetic evidence.